The following is an entry in ClinVar:

NM_001083603.1(PTCH1):c.131A>G (p.Glu44Gly)

Gene: PTCH1 (patched 1; minus strand). Cytogenetic location: 9q22.32.
Variant type: single nucleotide variant.
Coding change: c.131A>G on transcript NM_001083603.1; coding-DNA position 131, A replaced by G.
Protein change: p.Glu44Gly; replaces glutamic acid 44 with glycine.
Molecular consequence: 5 prime UTR variant (on NM_001083602.3). On other transcripts: missense variant (1).
Genome position (GRCh38, 1-based): chr9:95,516,690, T>C on the plus strand (A>G on the coding strand, the complement: PTCH1 is on the minus strand). VCF-style: chr9-95516690-T-C. GRCh37 (hg19) VCF-style: chr9-98278972-T-C.
Other names: c.-219A>G (NM_001083602.3, NM_001354919.2); c.131A>G, p.Glu44Gly (NM_001083603.3); short protein forms E44G.
Identifiers: ClinVar variation 41768 (VCV000041768.16), dbSNP rs202111971, ClinGen allele CA161769.
Genomic context (GRCh38, chr9:95,516,690, plus strand): 5'-CTGCGGGTCTCTTTGTCTCCCCTGTCGTCTTTTTCTTCTCCTCCGTTTTCTTCTTCTTCT[T>C]CTCCTCCTCCTCCGTCTTTACAAAAGGAACGGAAAGTGTAAAAACCCCGGCGCGCTGGGC-3'
Protein context (NP_001077072.1, residues 34-54): RSFCKDGGGG[Glu44Gly]EEEENGGEEK

ClinVar aggregate classification (germline): Benign/Likely benign. Review status: criteria provided, multiple submitters, no conflicts (2 of 4 stars). 12 submissions from 12 submitters: Benign (2); Likely benign (4). 6 of the submissions do not count toward it. Last evaluated 2025-12-29.

Conditions:
Gorlin syndrome. Also called: Basal cell nevus syndrome; Nevoid Basal Cell Carcinoma Syndrome. Identifiers: Orphanet 377, MedGen C0004779, MONDO:0007187.
Basal cell carcinoma, susceptibility to, 1. Also called: BCC1. Identifiers: MedGen C2751544, MONDO:0011556, OMIM 605462.
Holoprosencephaly 7 (HPE7). Identifiers: Orphanet 2162, MedGen C1835820, MONDO:0012562, OMIM 610828.
PTCH1-related disorder. Also called: PTCH1-related disorders; PTCH1-related condition.

Allele frequency attached by ClinVar (database versions not stated): gnomAD exomes 0.00281; ExAC 0.00308; gnomAD 0.00684 and 0.00732; ESP Exome Variant Server 0.00480; TOPMed 0.00773; 1000 Genomes Project 0.00998; 1000 Genomes Project 30x 0.01046.
gnomAD v4.1: 2,526 of 1,612,088 alleles (0.16%); highest among the groups gnomAD compares: African/African-American, 2.2%; 30 homozygotes.

Submissions (12):

Center for Genomic Medicine, Rigshospitalet, Copenhagen University Hospital
Classification: Likely benign. Last evaluated: 2025-12-29. Review status: criteria provided, single submitter. Criteria: ACMG Guidelines, 2015. Collection method: clinical testing. Allele origin: germline.

Dasa
Classification: Benign. Last evaluated: 2025-12-26. Review status: criteria provided, single submitter. Criteria: DASA Assertion Criteria. Collection method: clinical testing. Allele origin: germline.
Comment: NM_001083603.3(PTCH1):c.131A>G (p.Glu44Gly) is a missense variant that results in the substitution of glutamic acid with glycine. Population frequency is inconsistent with a disease-causing role for this variant, and observations in unaffected individuals support a benign interpretation. Computational prediction algorithms are consistent with a benign effect. Therefore, based on the currently available evidence, this variant is classified as benign.

ARUP Laboratories, Molecular Genetics and Genomics, ARUP Laboratories
Classification: Benign. Last evaluated: 2025-05-28. Review status: criteria provided, single submitter. Criteria: ARUP Molecular Germline Variant Investigation Process 2024. Collection method: clinical testing. Allele origin: germline.

Fulgent Genetics
Classification: Likely benign for Basal cell nevus syndrome 1; Basal cell carcinoma, susceptibility to, 1; Holoprosencephaly 7. Last evaluated: 2022-04-14. Review status: criteria provided, single submitter. Criteria: ACMG Guidelines, 2015. Collection method: clinical testing. Allele origin: unknown.

GeneDx
Classification: Likely benign. Last evaluated: 2019-06-12. Review status: criteria provided, single submitter. Criteria: GeneDx Variant Classification Process June 2021. Collection method: clinical testing. Allele origin: germline. Affected: yes.
Comment: This variant is associated with the following publications: (PMID: 24728327)

Breakthrough Genomics
Classification: Likely benign. Review status: criteria provided, single submitter. Criteria: ACMG Guidelines, 2015. Collection method: not provided. Allele origin: germline. Inheritance: Autosomal dominant inheritance. Affected: yes.

PreventionGenetics, part of Exact Sciences
Classification: Benign for PTCH1-related condition. Last evaluated: 2019-09-05. Review status: no assertion criteria provided. Collection method: clinical testing. Allele origin: germline. Not counted in ClinVar's aggregate classification.
Comment: This variant is classified as benign based on ACMG/AMP sequence variant interpretation guidelines (Richards et al. 2015 PMID: 25741868, with internal and published modifications).

ITMI
No classification provided. Condition: AllHighlyPenetrant. Last evaluated: 2013-09-19. Review status: no classification provided. Collection method: reference population. Allele origin: germline. Not counted in ClinVar's aggregate classification.
Comment: Please see associated publication for description of ethnicities

Biesecker Lab/Clinical Genomics Section, National Institutes of Health
Classification: Benign. Last evaluated: 2012-07-13. Review status: no assertion criteria provided. Collection method: research. Allele origin: germline. Affected: no. Observed: 2 variant alleles. Study: ClinSeq. Not counted in ClinVar's aggregate classification.
ClinVar note: Converted during submission from no known pathogenicity to Benign.

Clinical Genetics DNA and cytogenetics Diagnostics Lab, Erasmus MC, Erasmus Medical Center
Classification: Likely benign. Review status: no assertion criteria provided. Collection method: clinical testing. Allele origin: germline. Affected: yes. Study: VKGL Data-share Consensus. Not counted in ClinVar's aggregate classification.

Department of Pathology and Laboratory Medicine, Sinai Health System
Classification: Benign. Review status: no assertion criteria provided. Collection method: clinical testing. Allele origin: unknown. Affected: yes. Study: The Canadian Open Genetics Repository (COGR). Not counted in ClinVar's aggregate classification.
Comment: The PTCH1 p.Glu44Gly variant was identified in dbSNP (ID: rs202111971) and in ClinVar (classified as benign by the Biesecker Lab/Human Development Section, National Institutes of Health) but was not identified in Cosmic or LOVD 3.0. The variant was also identified in control databases in 921 of 277682 chromosomes (13 homozygous) at a frequency of 0.003317 increasing the likelihood this could be a low frequency benign variant (Genome Aggregation Database Feb 27, 2017). The variant was observed in the following populations: African in 526 of 23938 chromosomes (freq: 0.02197), East Asian in 296 of 19242 chromosomes (freq: 0.01538), Other in 17 of 7066 chromosomes (freq: 0.002406), Latino in 55 of 34712 chromosomes (freq: 0.001584), South Asian in 13 of 30206 chromosomes (freq: 0.00043) and European (non-Finnish) in 14 of 127278 chromosomes (freq: 0.00011), while the variant was not observed in the Ashkenazi Jewish and European (Finnish) populations. The variant was identified in 2/177 healthy controls in a study that identified variants in cancer genes in participants without a personal or family history of cancer (Johnston_2012_PMID:22703879). The p.Glu44G residue is not conserved in mammals and four out of five computational analyses (PolyPhen-2, SIFT, AlignGVGD, MutationTaster) do not suggest a high likelihood of impact to the protein; however, this information is not predictive enough to rule out pathogenicity. The variant occurs outside of the splicing consensus sequence and in silico or computational prediction software programs (SpliceSiteFinder, MaxEntScan, NNSPLICE, GeneSplicer) do not predict a difference in splicing. In summary, based on the above information this variant meets our laboratory's criteria to be classified as benign.

Laboratory of Diagnostic Genome Analysis, Leiden University Medical Center (LUMC)
Classification: Likely benign. Review status: no assertion criteria provided. Collection method: clinical testing. Allele origin: germline. Affected: yes. Study: VKGL Data-share Consensus. Not counted in ClinVar's aggregate classification.

Literature cited by the submitters: PubMed 24728327 (cited by ITMI).